The following is an entry in ClinVar:

NM_000478.6(ALPL):c.163A>T (p.Ile55Phe)

Gene: ALPL (alkaline phosphatase, biomineralization associated; plus strand). Cytogenetic location: 1p36.12.
Variant type: single nucleotide variant.
Coding change: c.163A>T on transcript NM_000478.6 (MANE Select); coding-DNA position 163, A replaced by T.
Protein change: p.Ile55Phe; replaces isoleucine 55 with phenylalanine.
Molecular consequence: missense variant. On other transcripts: 5 prime UTR variant (1), synonymous variant (1).
Genome position (GRCh38, 1-based): chr1:21,560,727, A>T. VCF-style: chr1-21560727-A-T. GRCh37 (hg19) VCF-style: chr1-21887220-A-T.
Other names: c.-3A>T (NM_001127501.4); c.48A>T, p.Ser16= (NM_001177520.3); c.163A>T, p.Ile55Phe (NM_001369803.2, NM_001369804.2, NM_001369805.2); short protein forms I55F.
Identifiers: ClinVar variation 3633514 (VCV003633514.10).

ClinVar aggregate classification (germline): Uncertain significance. Review status: criteria provided, multiple submitters, no conflicts (2 of 4 stars). 2 submissions from 2 submitters: Uncertain significance (2). Last evaluated 2025-07-01.

Submissions (2):

CeGaT Center for Human Genetics Tuebingen
Classification: Uncertain significance. Last evaluated: 2025-07-01. Review status: criteria provided, single submitter. Criteria: CeGaT Center For Human Genetics Tuebingen Variant Classification Criteria Version 2. Collection method: clinical testing. Allele origin: germline. Affected: yes. Observed: 1 variant allele.
Comment: ALPL: PM2, PP4

Labcorp Genetics (formerly Invitae), Labcorp
Classification: Uncertain significance. Last evaluated: 2024-04-17. Review status: criteria provided, single submitter. Criteria: Invitae Variant Classification Sherloc (09022015). Collection method: clinical testing. Allele origin: germline.
Comment: This sequence change replaces isoleucine, which is neutral and non-polar, with phenylalanine, which is neutral and non-polar, at codon 55 of the ALPL protein (p.Ile55Phe). This variant is not present in population databases (gnomAD no frequency). This variant has not been reported in the literature in individuals affected with ALPL-related conditions. Advanced modeling of protein sequence and biophysical properties (such as structural, functional, and spatial information, amino acid conservation, physicochemical variation, residue mobility, and thermodynamic stability) performed at Invitae indicates that this missense variant is expected to disrupt ALPL protein function with a positive predictive value of 95%. In summary, the available evidence is currently insufficient to determine the role of this variant in disease. Therefore, it has been classified as a Variant of Uncertain Significance.